The following is an entry in ClinVar:

ClinVar aggregate classification (germline): Uncertain significance (1 of 4 stars; one submission).

Conditions:
Hereditary breast ovarian cancer syndrome. Also called: Hereditary breast and ovarian cancer; Hereditary breast and ovarian cancer syndrome; Hereditary breast and/or ovarian cancer syndrome; Hereditary breast and ovarian cancer syndrome (HBOC); Breast and ovarian cancer; BRCA1- and BRCA2-Associated Hereditary Breast and Ovarian Cancer. Identifiers: Orphanet 145, MedGen C0677776, MeSH D061325, MONDO:0003582. Disease mechanism: loss of function.

Submission:

Labcorp Genetics (formerly Invitae), Labcorp
Classification: Uncertain significance for Hereditary breast ovarian cancer syndrome. Last evaluated: 2024-11-04. Review status: criteria provided, single submitter. Criteria: Invitae Variant Classification Sherloc (09022015). Collection method: clinical testing. Allele origin: germline.
Comment: This sequence change replaces lysine, which is basic and polar, with isoleucine, which is neutral and non-polar, at codon 3257 of the BRCA2 protein (p.Lys3257Ile). This variant is not present in population databases (gnomAD no frequency). This variant has not been reported in the literature in individuals affected with BRCA2-related conditions. ClinVar contains an entry for this variant (Variation ID: 1489648). Invitae Evidence Modeling of protein sequence and biophysical properties (such as structural, functional, and spatial information, amino acid conservation, physicochemical variation, residue mobility, and thermodynamic stability) indicates that this missense variant is not expected to disrupt BRCA2 protein function with a negative predictive value of 95%. In summary, the available evidence is currently insufficient to determine the role of this variant in disease. Therefore, it has been classified as a Variant of Uncertain Significance.

NM_000059.4(BRCA2):c.9770A>T (p.Lys3257Ile)

Gene: BRCA2 (BRCA2 DNA repair associated; plus strand). Cytogenetic location: 13q13.1.
Variant type: single nucleotide variant.
Coding change: c.9770A>T on transcript NM_000059.4 (MANE Select); coding-DNA position 9770, A replaced by T.
Protein change: p.Lys3257Ile; replaces lysine 3257 with isoleucine.
Molecular consequence: missense variant.
Genome position (GRCh38, 1-based): chr13:32,398,283, A>T. VCF-style: chr13-32398283-A-T. GRCh37 (hg19) VCF-style: chr13-32972420-A-T.
Other names: short protein forms K3257I.
Identifiers: ClinVar variation 1489648 (VCV001489648.8), dbSNP rs55847618, ClinGen allele CA387765814.
Genomic context (GRCh38, chr13:32,398,283, plus strand): 5'-GGAAGTCTGTTTCCACACCTGTCTCAGCCCAGATGACTTCAAAGTCTTGTAAAGGGGAGA[A>T]AGAGATTGATGACCAAAAGAACTGCAAAAAGAGAAGAGCCTTGGATTTCTTGAGTAGACT-3'
Protein context (NP_000050.3, residues 3247-3267): QMTSKSCKGE[Lys3257Ile]EIDDQKNCKK